The following is an entry in ClinVar:

ClinVar aggregate classification (germline): Uncertain significance (1 of 4 stars; one submission).

Submission:

Ambry Genetics
Classification: Uncertain significance. Last evaluated: 2024-09-18. Review status: criteria provided, single submitter. Criteria: Ambry Variant Classification Scheme 2023. Collection method: clinical testing. Allele origin: germline.
Comment: The p.K302N variant (also known as c.906G>T), located in coding exon 9 of the RAD54L gene, results from a G to T substitution at nucleotide position 906. The lysine at codon 302 is replaced by asparagine, an amino acid with similar properties. This amino acid position is conserved. In addition, this alteration is predicted to be deleterious by in silico analysis. Based on the available evidence, the clinical significance of this variant remains unclear.

NM_003579.4(RAD54L):c.906G>T (p.Lys302Asn)

Gene: RAD54L (RAD54 like; plus strand). Cytogenetic location: 1p34.1.
Variant type: single nucleotide variant.
Coding change: c.906G>T on transcript NM_003579.4 (MANE Select); coding-DNA position 906, G replaced by T.
Protein change: p.Lys302Asn; replaces lysine 302 with asparagine.
Molecular consequence: missense variant.
Genome position (GRCh38, 1-based): chr1:46,267,473, G>T. VCF-style: chr1-46267473-G-T. GRCh37 (hg19) VCF-style: chr1-46733145-G-T.
Other names: c.906G>T, p.Lys302Asn (NM_001142548.2); c.366G>T, p.Lys122Asn (NM_001370766.1); short protein forms K122N, K302N.
Identifiers: ClinVar variation 3429782 (VCV003429782.1).
Genomic context (GRCh38, chr1:46,267,473, plus strand): 5'-GTATAGGGAATGCCACATTGCGCTCTGAATAAGGATTCTCTTGCAGGGACACAGGCTCAA[G>T]AACTCTGAGAATCAGACTTACCAAGCCCTGGACAGCTTGAACACCAGCCGGCGGGTGCTC-3'
Protein context (NP_003570.2, residues 292-312): LVICDEGHRL[Lys302Asn]NSENQTYQAL